The following is an entry in ClinVar:

ClinVar aggregate classification (germline): Uncertain significance (1 of 4 stars; one submission).

Conditions:
Periodontitis, aggressive. Identifiers: MedGen C0031106, MONDO:0980757.
Haim-Munk syndrome (HMS). Also called: COCHIN JEWISH DISORDER; KERATOSIS PALMOPLANTARIS WITH PERIODONTOPATHIA AND ONYCHOGRYPOSIS. Identifiers: Orphanet 2342, MedGen C1855627, MONDO:0009491, OMIM 245010.
Papillon-Lefèvre syndrome (PALS). Also called: KERATOSIS PALMOPLANTARIS WITH PERIODONTOPATHIA; Papillon-Lefevre Disease. Identifiers: Orphanet 678, MedGen C0030360, MONDO:0009490, OMIM 245000.

gnomAD v4.1: 5 of 1,614,024 alleles (0.00031%); highest among the groups gnomAD compares: Admixed American, 0.0017%; no homozygotes.

Submission:

Labcorp Genetics (formerly Invitae), Labcorp
Classification: Uncertain significance for Haim-Munk syndrome; Periodontitis, aggressive; Papillon-Lefèvre syndrome. Last evaluated: 2022-04-08. Review status: criteria provided, single submitter. Criteria: Invitae Variant Classification Sherloc (09022015). Collection method: clinical testing. Allele origin: germline.
Comment: This sequence change replaces asparagine, which is neutral and polar, with serine, which is neutral and polar, at codon 277 of the CTSC protein (p.Asn277Ser). This variant is present in population databases (no rsID available, gnomAD 0.003%). This variant has not been reported in the literature in individuals affected with CTSC-related conditions. Algorithms developed to predict the effect of missense changes on protein structure and function are either unavailable or do not agree on the potential impact of this missense change (SIFT: "Not Available"; PolyPhen-2: "Benign"; Align-GVGD: "Not Available"). In summary, the available evidence is currently insufficient to determine the role of this variant in disease. Therefore, it has been classified as a Variant of Uncertain Significance.

NM_001814.6(CTSC):c.830A>G (p.Asn277Ser)

Gene: CTSC (cathepsin C; minus strand). Cytogenetic location: 11q14.2.
Variant type: single nucleotide variant.
Coding change: c.830A>G on transcript NM_001814.6 (MANE Select); coding-DNA position 830, A replaced by G.
Protein change: p.Asn277Ser; replaces asparagine 277 with serine.
Molecular consequence: missense variant.
Genome position (GRCh38, 1-based): chr11:88,296,192, T>C on the plus strand (A>G on the coding strand, the complement: CTSC is on the minus strand). VCF-style: chr11-88296192-T-C. GRCh37 (hg19) VCF-style: chr11-88029360-T-C.
Other names: short protein forms N277S.
Identifiers: ClinVar variation 1946933 (VCV001946933.2), dbSNP rs1308728982, ClinGen allele CA382022682.